The following is an entry in ClinVar:

ClinVar aggregate classification (germline): Uncertain significance (1 of 4 stars; one submission).

Conditions:
Developmental and epileptic encephalopathy, 33 (DEE33). Also called: Epileptic encephalopathy, early infantile, 33. Identifiers: Orphanet 442835, MedGen C4225337, MONDO:0014625, OMIM 616409.

Allele frequency attached by ClinVar (database versions not stated): TOPMed below 0.00001.
gnomAD v4.1: 1 of 1,608,924 alleles (0.000062%); highest among the groups gnomAD compares: Non-Finnish European, 0.000085%; no homozygotes.

Submission:

Labcorp Genetics (formerly Invitae), Labcorp
Classification: Uncertain significance for Developmental and epileptic encephalopathy, 33. Last evaluated: 2023-05-22. Review status: criteria provided, single submitter. Criteria: Invitae Variant Classification Sherloc (09022015). Collection method: clinical testing. Allele origin: germline.
Comment: In summary, the available evidence is currently insufficient to determine the role of this variant in disease. Therefore, it has been classified as a Variant of Uncertain Significance. Variants that disrupt the consensus splice site are a relatively common cause of aberrant splicing (PMID: 17576681, 9536098). Algorithms developed to predict the effect of sequence changes on RNA splicing suggest that this variant may disrupt the consensus splice site. ClinVar contains an entry for this variant (Variation ID: 840436). This variant has not been reported in the literature in individuals affected with EEF1A2-related conditions. This variant is not present in population databases (gnomAD no frequency). This sequence change falls in intron 7 of the EEF1A2 gene. It does not directly change the encoded amino acid sequence of the EEF1A2 protein. It affects a nucleotide within the consensus splice site.

Literature cited by the submitters: PubMed 17576681; PubMed 9536098.

NM_001958.5(EEF1A2):c.1264+6C>T

Gene: EEF1A2 (eukaryotic translation elongation factor 1 alpha 2; minus strand). Cytogenetic location: 20q13.33.
Variant type: single nucleotide variant.
Coding change: c.1264+6C>T on transcript NM_001958.5 (MANE Select); 6 bases into the intron after coding-DNA position 1264, C replaced by T.
Molecular consequence: intron variant.
Genome position (GRCh38, 1-based): chr20:63,488,912, G>A on the plus strand (C>T on the coding strand, the complement: EEF1A2 is on the minus strand). VCF-style: chr20-63488912-G-A. GRCh37 (hg19) VCF-style: chr20-62120265-G-A.
Identifiers: ClinVar variation 840436 (VCV000840436.10), dbSNP rs2082365851, ClinGen allele CA916083766.